The following is an entry in ClinVar:

ClinVar aggregate classification (germline): Uncertain significance (1 of 4 stars; one submission).

Submission:

Labcorp Genetics (formerly Invitae), Labcorp
Classification: Uncertain significance. Last evaluated: 2025-11-26. Review status: criteria provided, single submitter. Criteria: Invitae Variant Classification Sherloc (09022015). Collection method: clinical testing. Allele origin: germline.
Comment: This sequence change affects a donor splice site in intron 8 of the NLRP1 gene. It is expected to disrupt RNA splicing. Variants that disrupt the donor or acceptor splice site typically lead to a loss of protein function (PMID: 16199547), however the current clinical and genetic evidence is not sufficient to establish whether loss-of-function variants in NLRP1 cause disease. This variant is not present in population databases (gnomAD no frequency). This variant has not been reported in the literature in individuals affected with NLRP1-related conditions. Algorithms developed to predict the effect of sequence changes on RNA splicing suggest that this variant may disrupt the consensus splice site. In summary, the available evidence is currently insufficient to determine the role of this variant in disease. Therefore, it has been classified as a Variant of Uncertain Significance.

Literature cited by the submitters: PubMed 16199547.

NM_033004.4(NLRP1):c.2960+2T>G

Gene: NLRP1 (NLR family pyrin domain containing 1; minus strand). Cytogenetic location: 17p13.2.
Variant type: single nucleotide variant.
Coding change: c.2960+2T>G on transcript NM_033004.4 (MANE Select); the canonical splice donor site of the intron after coding-DNA position 2960, T replaced by G.
Molecular consequence: splice donor variant. On other transcripts: intron variant (2).
Genome position (GRCh38, 1-based): chr17:5,536,849, A>C on the plus strand (T>G on the coding strand, the complement: NLRP1 is on the minus strand). VCF-style: chr17-5536849-A-C. GRCh37 (hg19) VCF-style: chr17-5440169-A-C.
Other names: c.2960+2T>G (NM_001033053.3, NM_014922.5); c.2870+2566T>G (NM_033007.4, NM_033006.4).
Identifiers: ClinVar variation 4781510 (VCV004781510.1).